The following is an entry in ClinVar:

NM_004525.3(LRP2):c.9025A>G (p.Ile3009Val)

Gene: LRP2 (LDL receptor related protein 2; minus strand). Cytogenetic location: 2q31.1.
Variant type: single nucleotide variant.
Coding change: c.9025A>G on transcript NM_004525.3 (MANE Select); coding-DNA position 9025, A replaced by G.
Protein change: p.Ile3009Val; replaces isoleucine 3009 with valine.
Molecular consequence: missense variant.
Genome position (GRCh38, 1-based): chr2:169,191,839, T>C on the plus strand (A>G on the coding strand, the complement: LRP2 is on the minus strand). VCF-style: chr2-169191839-T-C. GRCh37 (hg19) VCF-style: chr2-170048349-T-C.
Other names: c.9025A>G (NM_004525.2); short protein forms I3009V.
Identifiers: ClinVar variation 1951923 (VCV001951923.3), dbSNP rs1423860636, ClinGen allele CA349159028.

ClinVar aggregate classification (germline): Uncertain significance. Review status: criteria provided, multiple submitters, no conflicts (2 of 4 stars). 2 submissions from 2 submitters: Uncertain significance (2). Last evaluated 2026-02-24.

Conditions:
LRP2-related disorder. Also called: LRP2-related condition.

Allele frequency attached by ClinVar (database versions not stated): gnomAD exomes below 0.00001; TOPMed below 0.00001; gnomAD 0.00001.
gnomAD v4.1: 3 of 1,613,872 alleles (0.00019%); highest among the groups gnomAD compares: African/African-American, 0.0013%; no homozygotes.

Submissions (2):

PreventionGenetics, part of Exact Sciences
Classification: Uncertain significance for LRP2-related condition. Last evaluated: 2026-02-24. Review status: criteria provided, single submitter. Criteria: ACMG Guidelines, 2015. Collection method: clinical testing. Allele origin: germline.
Comment: The LRP2 c.9025A>G variant is predicted to result in the amino acid substitution p.Ile3009Val. To our knowledge, this variant has not been reported in the literature. This variant is reported in 0.011% of alleles in individuals of African descent in gnomAD. At this time, the clinical significance of this variant is uncertain due to the absence of conclusive functional and genetic evidence.

Labcorp Genetics (formerly Invitae), Labcorp
Classification: Uncertain significance. Last evaluated: 2022-08-09. Review status: criteria provided, single submitter. Criteria: Invitae Variant Classification Sherloc (09022015). Collection method: clinical testing. Allele origin: germline.
Comment: This sequence change replaces isoleucine, which is neutral and non-polar, with valine, which is neutral and non-polar, at codon 3009 of the LRP2 protein (p.Ile3009Val). This variant is present in population databases (no rsID available, gnomAD 0.01%). This variant has not been reported in the literature in individuals affected with LRP2-related conditions. Advanced modeling of protein sequence and biophysical properties (such as structural, functional, and spatial information, amino acid conservation, physicochemical variation, residue mobility, and thermodynamic stability) performed at Invitae indicates that this missense variant is not expected to disrupt LRP2 protein function. Algorithms developed to predict the effect of sequence changes on RNA splicing suggest that this variant may create or strengthen a splice site. In summary, the available evidence is currently insufficient to determine the role of this variant in disease. Therefore, it has been classified as a Variant of Uncertain Significance.